The following is an entry in ClinVar:

NM_001190274.2(FBXO11):c.937C>T (p.Pro313Ser)

Gene: FBXO11 (F-box protein 11; minus strand). Cytogenetic location: 2p16.3.
Variant type: single nucleotide variant.
Coding change: c.937C>T on transcript NM_001190274.2 (MANE Select); coding-DNA position 937, C replaced by T.
Protein change: p.Pro313Ser; replaces proline 313 with serine.
Molecular consequence: missense variant.
Genome position (GRCh38, 1-based): chr2:47,833,068, G>A on the plus strand (C>T on the coding strand, the complement: FBXO11 is on the minus strand). VCF-style: chr2-47833068-G-A. GRCh37 (hg19) VCF-style: chr2-48060207-G-A.
Other names: c.685C>T, p.Pro229Ser (NM_001374325.1, NM_025133.4); short protein forms P229S, P313S.
Identifiers: ClinVar variation 1708356 (VCV001708356.2), dbSNP rs745529478, ClinGen allele CA1649974.
Genomic context (GRCh38, chr2:47,833,068, plus strand): 5'-TAAAAACGAAGGTTGAATCTCTAGTGTTTTCAATTATAACTTTGTCTGCCACTTTCCCAG[G>A]TGCTGTGGAGAAGATATTTTAAAGAATATTACCTTTATTCGATTTCAACAGATGGGTATC-3'
Protein context (NP_001177203.1, residues 303-323): ESPITMIGAA[Pro313Ser]GKVADKVIIE

ClinVar aggregate classification (germline): Likely benign (1 of 4 stars; one submission).

Allele frequency attached by ClinVar (database versions not stated): ExAC 0.00001.
gnomAD v4.1: 9 of 1,600,656 alleles (0.00056%); highest among the groups gnomAD compares: African/African-American, 0.004%; no homozygotes.

Submission:

Centre of Medical Genetics, University Hospital Muenster
Classification: Likely benign. Last evaluated: 2022-02-10. Review status: criteria provided, single submitter. Criteria: ACMG Guidelines, 2015. Collection method: clinical testing. Allele origin: unknown. Affected: yes. Observed: 1 variant allele, 1 heterozygote.
Comment: ACMG categories: BS2,BP8